The following is an entry in ClinVar:

NM_001281740.3(FHOD3):c.239G>A (p.Arg80Gln)

Gene: FHOD3 (formin homology 2 domain containing 3; plus strand). Cytogenetic location: 18q12.2.
Variant type: single nucleotide variant.
Coding change: c.239G>A on transcript NM_001281740.3 (MANE Select); coding-DNA position 239, G replaced by A.
Protein change: p.Arg80Gln; replaces arginine 80 with glutamine.
Molecular consequence: missense variant.
Genome position (GRCh38, 1-based): chr18:36,355,612, G>A. VCF-style: chr18-36355612-G-A. GRCh37 (hg19) VCF-style: chr18-33935575-G-A.
Other names: c.239G>A (NM_001281740.2); c.239G>A, p.Arg80Gln (NM_001281739.3, NM_025135.5); short protein forms R80Q.
Identifiers: ClinVar variation 2460355 (VCV002460355.3), dbSNP rs186410723, ClinGen allele CA8941194.

ClinVar aggregate classification (germline): Conflicting classifications of pathogenicity. Review status: criteria provided, conflicting classifications (1 of 4 stars). 2 submissions from 2 submitters: Uncertain significance (1); Likely benign (1). Last evaluated 2025-12-18.

Conditions:
FHOD3-related disorder. Also called: FHOD3-related condition.
Inborn genetic diseases. Identifiers: MedGen C0950123, MeSH D030342.

Allele frequency attached by ClinVar (database versions not stated): gnomAD 0.00002; TOPMed 0.00005; ExAC 0.00012; 1000 Genomes Project 30x 0.00016; 1000 Genomes Project 0.00020.
gnomAD v4.1: 58 of 1,614,120 alleles (0.0036%); highest among the groups gnomAD compares: Middle Eastern, 0.099%; 1 homozygote.

Submissions (2):

PreventionGenetics, part of Exact Sciences
Classification: Likely benign for FHOD3-related condition. Last evaluated: 2025-12-18. Review status: criteria provided, single submitter. Criteria: ACMG Guidelines, 2015. Collection method: clinical testing. Allele origin: germline.
Comment: This variant is classified as likely benign based on ACMG/AMP sequence variant interpretation guidelines (Richards et al. 2015 PMID: 25741868, with internal and published modifications).

Ambry Genetics
Classification: Uncertain significance for Inborn genetic diseases. Last evaluated: 2023-02-16. Review status: criteria provided, single submitter. Criteria: Ambry Variant Classification Scheme 2023. Collection method: clinical testing. Allele origin: germline.